The following is an entry in ClinVar:

NM_002528.7(NTHL1):c.752C>T (p.Pro251Leu)

Gene: NTHL1 (nth like DNA glycosylase 1; minus strand). Cytogenetic location: 16p13.3.
Variant type: single nucleotide variant.
Coding change: c.752C>T on transcript NM_002528.7 (MANE Select); coding-DNA position 752, C replaced by T.
Protein change: p.Pro251Leu; replaces proline 251 with leucine.
Molecular consequence: missense variant.
Genome position (GRCh38, 1-based): chr16:2,040,172, G>A on the plus strand (C>T on the coding strand, the complement: NTHL1 is on the minus strand). VCF-style: chr16-2040172-G-A. GRCh37 (hg19) VCF-style: chr16-2090173-G-A.
Other names: c.581C>T, p.Pro194Leu (NM_001318193.2); c.422C>T, p.Pro141Leu (NM_001318194.2); c.752C>T, p.Pro251Leu (LRG_1366t1); short protein forms P141L, P194L, P251L.
Identifiers: ClinVar variation 639895 (VCV000639895.18), dbSNP rs1437503034, ClinGen allele CA394288885.

ClinVar aggregate classification (germline): Uncertain significance. Review status: criteria provided, multiple submitters, no conflicts (2 of 4 stars). 5 submissions from 5 submitters: Uncertain significance (5). Last evaluated 2025-11-11.

Conditions:
Familial adenomatous polyposis 3. Also called: NTHL1-associated polyposis; NTHL1-related attenuated familial adenomatous polyposis; NTHL1-Related Adenomatous Polyposis and Colorectal Cancer; NTHL1 Tumor Syndrome. Identifiers: Orphanet 220460, Orphanet 454840, MedGen C4225157, MONDO:0014630, OMIM 616415.
Hereditary cancer-predisposing syndrome. Also called: Neoplastic Syndromes, Hereditary; Hereditary Cancer Syndrome; Tumor predisposition; Hereditary neoplastic syndrome. Identifiers: Orphanet 140162, MedGen C0027672, MeSH D009386, MONDO:0015356.

Allele frequency attached by ClinVar (database versions not stated): gnomAD exomes below 0.00001 and 0.00001; gnomAD 0.00001; TOPMed 0.00001.
gnomAD v4.1: 12 of 1,613,848 alleles (0.00074%); highest among the groups gnomAD compares: African/African-American, 0.0013%; no homozygotes.

Submissions (5):

Labcorp Genetics (formerly Invitae), Labcorp
Classification: Uncertain significance. Last evaluated: 2025-11-11. Review status: criteria provided, single submitter. Criteria: Invitae Variant Classification Sherloc (09022015). Collection method: clinical testing. Allele origin: germline.
Comment: This sequence change replaces proline, which is neutral and non-polar, with leucine, which is neutral and non-polar, at codon 259 of the NTHL1 protein (p.Pro259Leu). This variant is present in population databases (no rsID available, gnomAD 0.007%). This variant has not been reported in the literature in individuals affected with NTHL1-related conditions. ClinVar contains an entry for this variant (Variation ID: 639895). An algorithm developed to predict the effect of missense changes on protein structure and function (PolyPhen-2) suggests that this variant is likely to be disruptive. In summary, the available evidence is currently insufficient to determine the role of this variant in disease. Therefore, it has been classified as a Variant of Uncertain Significance.

Ambry Genetics
Classification: Uncertain significance for Hereditary cancer-predisposing syndrome. Last evaluated: 2025-10-06. Review status: criteria provided, single submitter. Criteria: Ambry Variant Classification Scheme 2023. Collection method: clinical testing. Allele origin: germline.
Comment: The p.P259L variant (also known as c.776C>T), located in coding exon 5 of the NTHL1 gene, results from a C to T substitution at nucleotide position 776. The proline at codon 259 is replaced by leucine, an amino acid with similar properties. This amino acid position is well conserved in available vertebrate species. In addition, the in silico prediction for this alteration is inconclusive. Since supporting evidence is limited at this time, the clinical significance of this alteration remains unclear.

Quest Diagnostics Nichols Institute San Juan Capistrano
Classification: Uncertain significance. Last evaluated: 2024-10-25. Review status: criteria provided, single submitter. Criteria: Quest Diagnostics criteria. Collection method: clinical testing. Allele origin: unknown.
Comment: The NTHL1 c.776C>T (p.Pro259Leu) variant has not been reported in individuals with NTHL1-related conditions in the published literature. The frequency of this variant in the general population, 0.000004 (1/251268 chromosomes (Genome Aggregation Database)), is uninformative in the assessment of its pathogenicity. Analysis of this variant using bioinformatics tools for the prediction of the effect of amino acid changes on protein structure and function yielded predictions that this variant is damaging. Based on the available information, we are unable to determine the clinical significance of this variant.

Baylor Genetics
Classification: Uncertain significance for Familial adenomatous polyposis 3. Last evaluated: 2024-01-16. Review status: criteria provided, single submitter. Criteria: ACMG Guidelines, 2015. Collection method: clinical testing. Allele origin: unknown.

GeneDx
Classification: Uncertain significance. Last evaluated: 2020-08-19. Review status: criteria provided, single submitter. Criteria: GeneDx Variant Classification Process June 2021. Collection method: clinical testing. Allele origin: germline. Affected: yes.
Comment: Not observed at a significant frequency in large population cohorts (Lek et al., 2016); In silico analysis supports that this missense variant has a deleterious effect on protein structure/function; Has not been previously published as pathogenic or benign to our knowledge